The following is an entry in ClinVar:

ClinVar aggregate classification (germline): Uncertain significance (1 of 4 stars; one submission).

Submission:

Dasa
Classification: Uncertain significance. Last evaluated: 2025-04-02. Review status: criteria provided, single submitter. Criteria: DASA Assertion Criteria. Collection method: clinical testing. Allele origin: germline.
Comment: NM_016284.5(CNOT1):c.6170A>T (p.Gln2057Leu) is a missense variant that results in the substitution of glutamine with leucine. This variant is absent from population databases. The currently available literature and clinical evidence are not sufficient to establish a definitive association between this variant and the reported condition. Therefore, this variant is classified as a variant of uncertain significance.

NM_016284.5(CNOT1):c.6170A>T (p.Gln2057Leu)

Gene: CNOT1 (CCR4-NOT transcription complex subunit 1; minus strand). Cytogenetic location: 16q21.
Variant type: single nucleotide variant.
Coding change: c.6170A>T on transcript NM_016284.5 (MANE Select); coding-DNA position 6170, A replaced by T.
Protein change: p.Gln2057Leu; replaces glutamine 2057 with leucine.
Molecular consequence: missense variant. On other transcripts: non-coding transcript variant (1).
Genome position (GRCh38, 1-based): chr16:58,531,965, T>A on the plus strand (A>T on the coding strand, the complement: CNOT1 is on the minus strand). VCF-style: chr16-58531965-T-A. GRCh37 (hg19) VCF-style: chr16-58565869-T-A.
Other names: c.6155A>T, p.Gln2052Leu (NM_001265612.2); short protein forms Q2052L, Q2057L.
Identifiers: ClinVar variation 4883247 (VCV004883247.2).